The following is an entry in ClinVar:

ClinVar aggregate classification (germline): Uncertain significance (1 of 4 stars; one submission).

gnomAD v4.1: 1 of 1,613,756 alleles (0.000062%); highest among the groups gnomAD compares: Non-Finnish European, 0.000085%; no homozygotes.

Submission:

Labcorp Genetics (formerly Invitae), Labcorp
Classification: Uncertain significance. Last evaluated: 2025-03-31. Review status: criteria provided, single submitter. Criteria: Invitae Variant Classification Sherloc (09022015). Collection method: clinical testing. Allele origin: germline.
Comment: This sequence change replaces isoleucine, which is neutral and non-polar, with methionine, which is neutral and non-polar, at codon 317 of the CDC14A protein (p.Ile317Met). This variant is not present in population databases (gnomAD no frequency). This variant has not been reported in the literature in individuals affected with CDC14A-related conditions. Invitae Evidence Modeling of protein sequence and biophysical properties (such as structural, functional, and spatial information, amino acid conservation, physicochemical variation, residue mobility, and thermodynamic stability) indicates that this missense variant is expected to disrupt CDC14A protein function with a positive predictive value of 80%. In summary, the available evidence is currently insufficient to determine the role of this variant in disease. Therefore, it has been classified as a Variant of Uncertain Significance.

NM_003672.4(CDC14A):c.951A>G (p.Ile317Met)

Gene: CDC14A (cell division cycle 14A; plus strand). Cytogenetic location: 1p21.2.
Variant type: single nucleotide variant.
Coding change: c.951A>G on transcript NM_003672.4 (MANE Select); coding-DNA position 951, A replaced by G.
Protein change: p.Ile317Met; replaces isoleucine 317 with methionine.
Molecular consequence: missense variant.
Genome position (GRCh38, 1-based): chr1:100,468,068, A>G. VCF-style: chr1-100468068-A-G. GRCh37 (hg19) VCF-style: chr1-100933624-A-G.
Other names: c.951A>G, p.Ile317Met (NM_001319210.2, NM_033312.3, NM_033313.3); c.777A>G, p.Ile259Met (NM_001319211.2); c.72A>G, p.Ile24Met (NM_001319212.2); short protein forms I24M, I259M, I317M.
Identifiers: ClinVar variation 4809578 (VCV004809578.1).